The following is an entry in ClinVar:

ClinVar aggregate classification (germline): Uncertain significance (1 of 4 stars; one submission).

Submission:

Ambry Genetics
Classification: Uncertain significance. Last evaluated: 2025-05-05. Review status: criteria provided, single submitter. Criteria: Ambry Variant Classification Scheme 2023. Collection method: clinical testing. Allele origin: germline.
Comment: The p.M121V variant (also known as c.361A>G), located in coding exon 4 of the RAD51B gene, results from an A to G substitution at nucleotide position 361. The methionine at codon 121 is replaced by valine, an amino acid with highly similar properties. This amino acid position is conserved. In addition, this alteration is predicted to be tolerated by in silico analysis. Based on the available evidence, the clinical significance of this variant remains unclear.

NM_133510.4(RAD51B):c.361A>G (p.Met121Val)

Gene: RAD51B (RAD51 paralog B; plus strand). Cytogenetic location: 14q24.1.
Variant type: single nucleotide variant.
Coding change: c.361A>G on transcript NM_133510.4 (MANE Select); coding-DNA position 361, A replaced by G.
Protein change: p.Met121Val; replaces methionine 121 with valine.
Molecular consequence: missense variant.
Genome position (GRCh38, 1-based): chr14:67,865,048, A>G. VCF-style: chr14-67865048-A-G. GRCh37 (hg19) VCF-style: chr14-68331765-A-G.
Other names: c.361A>G, p.Met121Val (NM_001321809.2, NM_001321810.2, NM_001321812.1 and 6 more transcripts); c.247A>G, p.Met83Val (NM_001321815.1); c.4A>G, p.Met2Val (NM_001321817.2); short protein forms M83V, M121V, M2V.
Identifiers: ClinVar variation 3942308 (VCV003942308.1).